The following is an entry in ClinVar:

NM_017777.4(MKS1):c.368G>A (p.Arg123Gln)

Gene: MKS1 (MKS transition zone complex subunit 1; minus strand). Cytogenetic location: 17q22.
Variant type: single nucleotide variant.
Coding change: c.368G>A on transcript NM_017777.4 (MANE Select); coding-DNA position 368, G replaced by A.
Protein change: p.Arg123Gln; replaces arginine 123 with glutamine.
Molecular consequence: missense variant. On other transcripts: 5 prime UTR variant (1).
Genome position (GRCh38, 1-based): chr17:58,216,137, C>T on the plus strand (G>A on the coding strand, the complement: MKS1 is on the minus strand). VCF-style: chr17-58216137-C-T. GRCh37 (hg19) VCF-style: chr17-56293498-C-T.
Other names: p.Arg123Gln; c.-144G>A (NM_001321268.2); c.368G>A, p.Arg123Gln (NM_001321269.2, NM_001330397.2); short protein forms R123Q.
Identifiers: ClinVar variation 235814 (VCV000235814.37), dbSNP rs202112856, ClinGen allele CA8669556.

ClinVar aggregate classification (germline): Conflicting classifications of pathogenicity. Review status: criteria provided, conflicting classifications (1 of 4 stars). 14 submissions from 13 submitters: Uncertain significance (9); Likely benign (3). 2 of the submissions do not count toward it. Last evaluated 2026-01-19.

Conditions:
Meckel-Gruber syndrome. Also called: DYSENCEPHALIA SPLANCHNOCYSTICA; GRUBER SYNDROME; Dysencephalia splachnocystica. Identifiers: Orphanet 564, MedGen C0265215, MONDO:0018921.
Joubert syndrome. Also called: Familial aplasia of the vermis; JOUBERT-BOLTSHAUSER SYNDROME. Identifiers: Orphanet 475, MedGen C5979921, MONDO:0018772.
Bardet-Biedl syndrome 13 (BBS13). Identifiers: Orphanet 110, MedGen C2673873, MONDO:0014441, OMIM 615990.
Joubert syndrome 28 (JBTS28). Identifiers: MedGen C4310705, MONDO:0014928, OMIM 617121.
Meckel syndrome, type 1 (MKS1). Also called: MECKEL-GRUBER SYNDROME, TYPE 1. Identifiers: Orphanet 564, MedGen C3714506, MONDO:0009571, OMIM 249000.
Ciliopathy. Also called: Ciliopathies. Identifiers: Orphanet 363250, MedGen C4277690, MONDO:0005308, MeSH D000072661.
MKS1-related disorder. Also called: MKS1-related condition; MKS1-related disorders. Identifiers: MedGen CN239382.

Allele frequency attached by ClinVar (database versions not stated): ESP Exome Variant Server 0.00025; gnomAD 0.00029 and 0.00030; TOPMed 0.00030; ExAC 0.00032; gnomAD exomes 0.00034 and 0.00041.
gnomAD v4.1: 558 of 1,614,164 alleles (0.035%); highest among the groups gnomAD compares: Middle Eastern, 1%; 2 homozygotes.

Submissions (14):

Labcorp Genetics (formerly Invitae), Labcorp
Classification: Likely benign for Joubert syndrome; Meckel-Gruber syndrome. Last evaluated: 2026-01-19. Review status: criteria provided, single submitter. Criteria: Invitae Variant Classification Sherloc (09022015). Collection method: clinical testing. Allele origin: germline.

Myriad Genetics, Inc.
Classification: Uncertain significance for Ciliopathy. Last evaluated: 2025-07-21. Review status: criteria provided, single submitter. Criteria: Myriad Autosomal Dominant, Autosomal Recessive and X-Linked Classification Criteria (2023). Collection method: clinical testing. Allele origin: unknown.
Comment: NM_017777.3(MKS1):c.368G>A(R123Q) is a missense variant classified as a variant of uncertain significance in the context of MKS1-related disorders. R123Q has been observed in cases with relevant disease (PMID: 18327255, 25966130). Relevant functional assessments of this variant are available in the literature (PMID: 25966130). R123Q has been observed in referenced population frequency databases. In summary, there is insufficient evidence to classify NM_017777.3(MKS1):c.368G>A(R123Q) as pathogenic or benign. Please note: this variant was assessed in the context of healthy population screening.

Blueprint Genetics
Classification: Likely benign. Last evaluated: 2024-11-14. Review status: criteria provided, single submitter. Criteria: ACMG Guidelines, 2015. Collection method: clinical testing. Allele origin: germline.

Mayo Clinic Laboratories, Mayo Clinic
Classification: Uncertain significance. Last evaluated: 2023-08-30. Review status: criteria provided, single submitter. Criteria: ACMG Guidelines, 2015. Collection method: clinical testing. Allele origin: germline. Observed: 1 variant allele.
Comment: BP4

GeneDx
Classification: Likely benign. Last evaluated: 2021-05-14. Review status: criteria provided, single submitter. Criteria: GeneDx Variant Classification Process June 2021. Collection method: clinical testing. Allele origin: germline. Affected: yes.
Comment: This variant is associated with the following publications: (PMID: 18327255)

Revvity Omics, Revvity
Classification: Uncertain significance. Last evaluated: 2020-12-26. Review status: criteria provided, single submitter. Criteria: ACMG Guidelines, 2015. Collection method: clinical testing. Allele origin: germline.

Fulgent Genetics
Classification: Uncertain significance for Meckel syndrome, type 1; Bardet-Biedl syndrome 13; Joubert syndrome 28. Last evaluated: 2018-10-31. Review status: criteria provided, single submitter. Criteria: ACMG Guidelines, 2015. Collection method: clinical testing. Allele origin: unknown.

Eurofins Ntd Llc (ga)
Classification: Uncertain significance. Last evaluated: 2018-07-25. Review status: criteria provided, single submitter. Criteria: EGL ClinVar v180209 classification definitions. Collection method: clinical testing. Allele origin: germline. Observed: 11 variant alleles, 11 heterozygotes.

Illumina Laboratory Services, Illumina
Classification: Uncertain significance for Bardet-Biedl syndrome 13. Last evaluated: 2017-04-27. Review status: criteria provided, single submitter. Criteria: ICSL Variant Classification Criteria 13 December 2019. Collection method: clinical testing. Allele origin: germline.

Illumina Laboratory Services, Illumina
Classification: Uncertain significance for Meckel syndrome, type 1. Last evaluated: 2017-04-27. Review status: criteria provided, single submitter. Criteria: ICSL Variant Classification Criteria 13 December 2019. Collection method: clinical testing. Allele origin: germline.

Genetic Services Laboratory, University of Chicago
Classification: Uncertain significance. Last evaluated: 2016-06-13. Review status: criteria provided, single submitter. Criteria: ACMG Guidelines, 2015. Collection method: clinical testing. Allele origin: germline. Affected: no.

Center for Pediatric Genomic Medicine, Children's Mercy Hospital and Clinics
Classification: Uncertain significance. Last evaluated: 2016-01-06. Review status: criteria provided, single submitter. Criteria: ACMG Guidelines, 2015. Collection method: clinical testing. Allele origin: germline.
ClinVar note: Converted during submission from Uncertain Significance to Uncertain significance.

PreventionGenetics, part of Exact Sciences
Classification: Likely benign for MKS1-related condition. Last evaluated: 2023-04-26. Review status: no assertion criteria provided. Collection method: clinical testing. Allele origin: germline. Not counted in ClinVar's aggregate classification.
Comment: This variant is classified as likely benign based on ACMG/AMP sequence variant interpretation guidelines (Richards et al. 2015 PMID: 25741868, with internal and published modifications).

Natera, Inc.
Classification: Uncertain significance for Meckel syndrome type 1. Last evaluated: 2020-09-16. Review status: no assertion criteria provided. Collection method: clinical testing. Allele origin: germline. Not counted in ClinVar's aggregate classification.

Literature cited by the submitters: PubMed 18327255 (cited by Myriad Genetics, Inc. and Mayo Clinic Laboratories, Mayo Clinic); PubMed 25966130 (cited by Myriad Genetics, Inc. and Mayo Clinic Laboratories, Mayo Clinic); PubMed 28289063 (cited by Mayo Clinic Laboratories, Mayo Clinic); PubMed 34573333 (cited by Mayo Clinic Laboratories, Mayo Clinic).